The following is an entry in ClinVar:

NM_000191.3(HMGCL):c.145-1G>C

Gene: HMGCL (3-hydroxy-3-methylglutaryl-CoA lyase; minus strand). Cytogenetic location: 1p36.11.
Variant type: single nucleotide variant.
Coding change: c.145-1G>C on transcript NM_000191.3 (MANE Select); the canonical splice acceptor site of the intron before coding-DNA position 145, G replaced by C.
Molecular consequence: splice acceptor variant.
Genome position (GRCh38, 1-based): chr1:23,817,584, C>G on the plus strand (G>C on the coding strand, the complement: HMGCL is on the minus strand). VCF-style: chr1-23817584-C-G. GRCh37 (hg19) VCF-style: chr1-24144074-C-G.
Other names: c.145-1G>C (NM_001166059.2).
Identifiers: ClinVar variation 2853560 (VCV002853560.4), dbSNP rs1299646067, ClinGen allele CA339029426.
Genomic context (GRCh38, chr1:23,817,584, plus strand): 5'-GAGTCCTGCTTCAGAAAGCATGTCTATCAGCTTGATTTTCACTGGAGTAGATACGATATT[C>G]TATAGTGGAGAGAGAAACACCAAGGCAGCAAAGTTAGTAACAAAACAGCCTCAAAATGCA-3'

ClinVar aggregate classification (germline): Likely pathogenic (1 of 4 stars; one submission).

Conditions:
Deficiency of hydroxymethylglutaryl-CoA lyase (HMGCLD). Also called: Defect in leucine metabolism; 3-hydroxy-3-methylglutaric aciduria; HMG-CoA LYASE DEFICIENCY; HMGCL DEFICIENCY; HYDROXYMETHYLGLUTARIC ACIDURIA. Identifiers: Orphanet 20, MedGen C1533587, MONDO:0009520, OMIM 246450.

Allele frequency attached by ClinVar (database versions not stated): gnomAD exomes below 0.00001.
gnomAD v4.1: 2 of 1,585,478 alleles (0.00013%); highest among the groups gnomAD compares: Non-Finnish European, 0.00017%; no homozygotes.

Submission:

Labcorp Genetics (formerly Invitae), Labcorp
Classification: Likely pathogenic for Deficiency of hydroxymethylglutaryl-CoA lyase. Last evaluated: 2023-04-08. Review status: criteria provided, single submitter. Criteria: Invitae Variant Classification Sherloc (09022015). Collection method: clinical testing. Allele origin: germline.
Comment: In summary, the currently available evidence indicates that the variant is pathogenic, but additional data are needed to prove that conclusively. Therefore, this variant has been classified as Likely Pathogenic. This variant is present in population databases (no rsID available, gnomAD 0.0009%). This variant has not been reported in the literature in individuals affected with HMGCL-related conditions. Algorithms developed to predict the effect of sequence changes on RNA splicing suggest that this variant may disrupt the consensus splice site. This sequence change affects an acceptor splice site in intron 2 of the HMGCL gene. It is expected to disrupt RNA splicing. Variants that disrupt the donor or acceptor splice site typically lead to a loss of protein function (PMID: 16199547), and loss-of-function variants in HMGCL are known to be pathogenic (PMID: 9817922, 17692550, 23465862).

Literature cited by the submitters: PubMed 16199547; PubMed 9817922; PubMed 17692550; PubMed 23465862.